The following is an entry in ClinVar:

NM_003126.4(SPTA1):c.6788+11C>T

Gene: SPTA1 (spectrin alpha, erythrocytic 1; minus strand). Cytogenetic location: 1q23.1.
Variant type: single nucleotide variant.
Coding change: c.6788+11C>T on transcript NM_003126.4 (MANE Select); 11 bases into the intron after coding-DNA position 6788, C replaced by T.
Molecular consequence: intron variant.
Genome position (GRCh38, 1-based): chr1:158,615,205, G>A on the plus strand (C>T on the coding strand, the complement: SPTA1 is on the minus strand). VCF-style: chr1-158615205-G-A. GRCh37 (hg19) VCF-style: chr1-158584995-G-A.
Identifiers: ClinVar variation 996360 (VCV000996360.3), dbSNP rs779537034, ClinGen allele CA1181863.

ClinVar aggregate classification (germline): Pathogenic. Review status: criteria provided, multiple submitters, no conflicts (2 of 4 stars). 2 submissions from 2 submitters: Pathogenic (2). Last evaluated 2023-01-31.

Conditions:
Hereditary spherocytosis (SPH). Also called: Congenital spherocytic hemolytic anemia; Congenital spherocytosis. Identifiers: Orphanet 822, MedGen C0037889, MONDO:0019350. Disease mechanism: loss of function.
Hereditary spherocytosis type 3. Also called: SPTA1-Related Spherocytosis; Spherocytosis type 3. Identifiers: Orphanet 822, MedGen C2678338, MONDO:0010053, OMIM 270970.

Allele frequency attached by ClinVar (database versions not stated): TOPMed below 0.00001; ExAC 0.00001; gnomAD exomes 0.00002.
gnomAD v4.1: 28 of 1,612,692 alleles (0.0017%); highest among the groups gnomAD compares: Admixed American, 0.0067%; no homozygotes.

Submissions (2):

Greenwood Genetic Center Diagnostic Laboratories, Greenwood Genetic Center
Classification: Pathogenic for Hereditary spherocytosis type 3. Last evaluated: 2023-01-31. Review status: criteria provided, single submitter. Criteria: ACMG Guidelines, 2015. Collection method: clinical testing. Allele origin: germline. Affected: yes.
Comment: PM2, PM3, PS3_Very Strong

MVZ Dr. Eberhard & Partner Dortmund
Classification: Pathogenic for Hereditary spherocytosis. Last evaluated: 2020-03-17. Review status: criteria provided, single submitter. Criteria: ACMG Guidelines, 2015. Collection method: clinical testing. Allele origin: paternal, maternal. Affected: yes. Observed: 2 compound heterozygotes. Clinical features observed: distinct icterus of skin and sclera.
Comment: The variant c.6788+11C>T is at low frequency in ensembl and gnomAD (2.1: 4 of 248534 alleles). Multiple lines of computational evidence support a deleterious effect on the gene or gene product. Splice algorithms (SpliceSiteFinder-like, NNSplice, GeneSplicer) recognize a new donor site with higher score than the native donor site. If this new splice donor site would be used 9 nucleotides of the intron will remain within the mRNA and lead to a premature stop codon. Further RNA analysis in our laboratory showed alternatively spliced mRNA with the predicted additional 9 nucleotides from intron 48 and the premature stop codon. Therefore this nonsense mutation is a null variant in a gene where loss of function is a known mechanism of disease and was classified a pathogenic.